The following is an entry in ClinVar:

NM_001465.6(FYB1):c.1516-5T>C

Gene: FYB1 (FYN binding protein 1; minus strand). Cytogenetic location: 5p13.1.
Variant type: single nucleotide variant.
Coding change: c.1516-5T>C on transcript NM_001465.6 (MANE Select); 5 bases into the intron before coding-DNA position 1516, T replaced by C.
Molecular consequence: intron variant.
Genome position (GRCh38, 1-based): chr5:39,135,019, A>G on the plus strand (T>C on the coding strand, the complement: FYB1 is on the minus strand). VCF-style: chr5-39135019-A-G. GRCh37 (hg19) VCF-style: chr5-39135121-A-G.
Other names: c.1546-5T>C (NM_001243093.2, NM_018594.2); c.1516-5T>C (NM_199335.5, NM_001349333.2).
Identifiers: ClinVar variation 3039741 (VCV003039741.2), dbSNP rs754545241, ClinGen allele CA3246187.

ClinVar aggregate classification (germline): Likely benign (0 of 4 stars; one submission).

Conditions:
FYB1-related disorder. Also called: FYB1-related condition.

Allele frequency attached by ClinVar (database versions not stated): ExAC 0.00002; gnomAD exomes 0.00002; gnomAD 0.00009; TOPMed 0.00011.
gnomAD v4.1: 35 of 1,608,720 alleles (0.0022%); highest among the groups gnomAD compares: Admixed American, 0.051%; no homozygotes.

Submission:

PreventionGenetics, part of Exact Sciences
Classification: Likely benign for FYB1-related condition. Last evaluated: 2020-04-07. Review status: no assertion criteria provided. Collection method: clinical testing. Allele origin: germline.
Comment: This variant is classified as likely benign based on ACMG/AMP sequence variant interpretation guidelines (Richards et al. 2015 PMID: 25741868, with internal and published modifications).